The following is an entry in ClinVar:

NM_000554.6(CRX):c.373C>T (p.Pro125Ser)

Gene: CRX (cone-rod homeobox; plus strand). Cytogenetic location: 19q13.33.
Variant type: single nucleotide variant.
Coding change: c.373C>T on transcript NM_000554.6 (MANE Select); coding-DNA position 373, C replaced by T.
Protein change: p.Pro125Ser; replaces proline 125 with serine.
Molecular consequence: missense variant.
Genome position (GRCh38, 1-based): chr19:47,839,440, C>T. VCF-style: chr19-47839440-C-T. GRCh37 (hg19) VCF-style: chr19-48342697-C-T.
Other names: c.373C>T (NM_000554.5); short protein forms P125S.
Identifiers: ClinVar variation 3077686 (VCV003077686.4), dbSNP rs1599991237, ClinGen allele CA406630514.
Genomic context (GRCh38, chr19:47,839,440, plus strand): 5'-CAGCAGCCCCCAGGGGGCCAGGCCAAGGCCCGGCCTGCCAAGAGGAAGGCGGGCACGTCC[C>T]CAAGACCCTCCACAGATGTGTGTCCAGACCCTCTGGGCATCTCAGATTCCTACAGTCCCC-3'
Protein context (NP_000545.1, residues 115-135): RPAKRKAGTS[Pro125Ser]RPSTDVCPDP

ClinVar aggregate classification (germline): Uncertain significance. Review status: criteria provided, multiple submitters, no conflicts (2 of 4 stars). 3 submissions from 3 submitters: Uncertain significance (3). Last evaluated 2025-10-23.

Conditions:
Inborn genetic diseases. Identifiers: MedGen C0950123, MeSH D030342.
CRX-related disorder. Also called: CRX-related condition.
Leber congenital amaurosis 7 (LCA7). Identifiers: Orphanet 65, MedGen C3151192, MONDO:0013449, OMIM 613829.
Cone-rod dystrophy 2 (CORD2). Also called: CONE-ROD RETINAL DYSTROPHY; Cone-rod retinal dystrophy 2. Identifiers: Orphanet 1872, MedGen C3489532, MONDO:0007362, OMIM 120970.

Allele frequency attached by ClinVar (database versions not stated): TOPMed below 0.00001; gnomAD 0.00001.
gnomAD v4.1: 1 of 1,613,980 alleles (0.000062%); highest among the groups gnomAD compares: Non-Finnish European, 0.000085%; no homozygotes.

Submissions (3):

PreventionGenetics, part of Exact Sciences
Classification: Uncertain significance for CRX-related condition. Last evaluated: 2025-10-23. Review status: criteria provided, single submitter. Criteria: ACMG Guidelines, 2015. Collection method: clinical testing. Allele origin: germline.
Comment: The CRX c.373C>T variant is predicted to result in the amino acid substitution p.Pro125Ser. To our knowledge, this variant has not been reported in the literature or in a large population database (gnomAD), indicating this variant is rare. At this time, the clinical significance of this variant is uncertain due to the absence of conclusive functional and genetic evidence.

Labcorp Genetics (formerly Invitae), Labcorp
Classification: Uncertain significance for Cone-rod dystrophy 2; Leber congenital amaurosis 7. Last evaluated: 2025-03-18. Review status: criteria provided, single submitter. Criteria: Invitae Variant Classification Sherloc (09022015). Collection method: clinical testing. Allele origin: germline.
Comment: This sequence change replaces proline, which is neutral and non-polar, with serine, which is neutral and polar, at codon 125 of the CRX protein (p.Pro125Ser). This variant is not present in population databases (gnomAD no frequency). This variant has not been reported in the literature in individuals affected with CRX-related conditions. ClinVar contains an entry for this variant (Variation ID: 3077686). Invitae Evidence Modeling of protein sequence and biophysical properties (such as structural, functional, and spatial information, amino acid conservation, physicochemical variation, residue mobility, and thermodynamic stability) indicates that this missense variant is not expected to disrupt CRX protein function with a negative predictive value of 95%. In summary, the available evidence is currently insufficient to determine the role of this variant in disease. Therefore, it has been classified as a Variant of Uncertain Significance.

Ambry Genetics
Classification: Uncertain significance for Inborn genetic diseases. Last evaluated: 2024-01-29. Review status: criteria provided, single submitter. Criteria: Ambry Variant Classification Scheme 2023. Collection method: clinical testing. Allele origin: germline.